The following is an entry in ClinVar:

ClinVar aggregate classification (germline): Uncertain significance (1 of 4 stars; one submission).

Submission:

Labcorp Genetics (formerly Invitae), Labcorp
Classification: Uncertain significance. Last evaluated: 2025-03-17. Review status: criteria provided, single submitter. Criteria: Invitae Variant Classification Sherloc (09022015). Collection method: clinical testing. Allele origin: germline.
Comment: This variant occurs in the MIR96 gene, which encodes an RNA molecule that does not result in a protein product. This variant is not present in population databases (gnomAD no frequency). This variant has not been reported in the literature in individuals affected with MIR96-related conditions. Experimental studies and prediction algorithms are not available or were not evaluated, and the functional significance of this variant is currently unknown. In summary, the available evidence is currently insufficient to determine the role of this variant in disease. Therefore, it has been classified as a Variant of Uncertain Significance.

NC_000007.14:g.129774760A>T

Gene: MIR96 (microRNA 96; minus strand). Cytogenetic location: 7q32.2.
Variant type: single nucleotide variant.
Molecular consequence: non-coding transcript variant (on NR_029512.1).
Genome position: GRCh38 VCF-style: chr7-129774760-A-T. GRCh37 (hg19) VCF-style: chr7-129414600-A-T.
Identifiers: ClinVar variation 3662882 (VCV003662882.2).